The following is an entry in ClinVar:

ClinVar aggregate classification (germline): Uncertain significance (1 of 4 stars; one submission).

Submission:

GeneDx
Classification: Uncertain significance. Last evaluated: 2024-04-22. Review status: criteria provided, single submitter. Criteria: GeneDx Variant Classification Process June 2021. Collection method: clinical testing. Allele origin: germline. Affected: yes.
Comment: Not observed at significant frequency in large population cohorts (gnomAD); In silico analysis supports that this missense variant has a deleterious effect on protein structure/function; Has not been previously published as pathogenic or benign to our knowledge

NM_170606.3(KMT2C):c.9791A>G (p.Asp3264Gly)

Gene: KMT2C (lysine methyltransferase 2C; minus strand). Cytogenetic location: 7q36.1.
Variant type: single nucleotide variant.
Coding change: c.9791A>G on transcript NM_170606.3 (MANE Select); coding-DNA position 9791, A replaced by G.
Protein change: p.Asp3264Gly; replaces aspartic acid 3264 with glycine.
Molecular consequence: missense variant.
Genome position (GRCh38, 1-based): chr7:152,163,786, T>C on the plus strand (A>G on the coding strand, the complement: KMT2C is on the minus strand). VCF-style: chr7-152163786-T-C. GRCh37 (hg19) VCF-style: chr7-151860871-T-C.
Other names: short protein forms D3264G.
Identifiers: ClinVar variation 3372425 (VCV003372425.1).